The following is an entry in ClinVar:

ClinVar aggregate classification (germline): Likely benign. Review status: reviewed by expert panel (3 of 4 stars). 5 submissions from 5 submitters: Likely benign (1). 4 of the submissions do not count toward it. Last evaluated 2023-12-06.

Conditions:
CDKL5 disorder. Identifiers: MedGen CN296942, MONDO:0100039.
Developmental and epileptic encephalopathy, 2 (DEE2). Also called: INFANTILE SPASM SYNDROME, X-LINKED 2; CDKL5 deficiency disorder. Identifiers: Orphanet 1934, Orphanet 3451, Orphanet 505652, MedGen C4750718, MONDO:0010396, OMIM 300672.
Inborn genetic diseases. Identifiers: MedGen C0950123, MeSH D030342.
Angelman syndrome-like. Identifiers: MedGen CN128785.

gnomAD v4.1: 21 of 1,212,162 alleles (0.0017%); highest among the groups gnomAD compares: South Asian, 0.0035%; no homozygotes.

Submissions (5):

ClinGen Rett and Angelman-like Disorders Variant Curation Expert Panel
Classification: Likely benign for CDKL5 disorder. Last evaluated: 2023-12-06. Review status: reviewed by expert panel. Criteria: ClinGen RettAS ACMG Specifications CDKL5 V3.0.0. Collection method: curation. Allele origin: germline. Inheritance: X-linked inheritance.
Comment: RS1(NM_000330.4) and an alternative transcript of CDKL5 (NM_003159.2) are overlapping transcripts; however, these variants are in the noncoding 3' region of the main CDKL5 transcript (NM_001323289.2). The c.2941C>T (p.Arg981Ter) variant in CDKL5 transcript (NM_003159.2) (RS1 c.185-3221G>A) is present in 14 XX and 7 XY individuals in gnomAD v4 (0.0043%) (not sufficient to meet BS1 criteria). The p.Arg981Ter variant in CDKL5 is predicted to cause a premature stop codon that leads to a truncated or absent protein in a gene where loss-of-function is an established mechanism. While loss-of-function variants are commonly observed in affected individuals in this gene, there is a paucity of these variants in this region of the gene to date (not sufficient to meet PVS1 criteria). Additionally, the p.Arg981Ter variant is observed in at least 6 unaffected individuals (internal database - Invitae, internal database - GeneDx) (BS2). In the absence of conflicting evidence, this is sufficient evidence to classify as likely benign based on the specifications defined by the ClinGen Rett and Angelman-like Disorders Variant Curation Expert Panel. In summary, the p.Arg981Ter variant in CDKL5 (NM_003159.2) is classified as likely benign based on the ACMG/AMP criteria (BS2).

Ambry Genetics
Classification: Likely benign for Inborn genetic diseases. Last evaluated: 2026-06-10. Review status: criteria provided, single submitter. Criteria: Ambry Variant Classification Scheme 2023. Collection method: clinical testing. Allele origin: germline. Not counted in ClinVar's aggregate classification.

Labcorp Genetics (formerly Invitae), Labcorp
Classification: Likely benign for Developmental and epileptic encephalopathy, 2; Angelman syndrome-like. Last evaluated: 2026-01-12. Review status: criteria provided, single submitter. Criteria: Invitae Variant Classification Sherloc (09022015). Collection method: clinical testing. Allele origin: germline. Not counted in ClinVar's aggregate classification.

Mendelics
Classification: Uncertain significance. Last evaluated: 2022-05-04. Review status: criteria provided, single submitter. Criteria: Mendelics Assertion Criteria 2019. Collection method: clinical testing. Allele origin: germline. Not counted in ClinVar's aggregate classification.

Centre for Mendelian Genomics, University Medical Centre Ljubljana
Classification: Uncertain significance for Developmental and epileptic encephalopathy, 2. Last evaluated: 2020-02-04. Review status: criteria provided, single submitter. Criteria: ACMG Guidelines, 2015. Collection method: clinical testing. Allele origin: unknown. Affected: yes. Not counted in ClinVar's aggregate classification.
Comment: This variant was classified as: Uncertain significance. The available evidence on this variant's pathogenicity is insufficient or conflicting. The following ACMG criteria were applied in classifying this variant: PM2. This variant was detected in hemizygous state.

NM_003159.3(CDKL5):c.2941C>T (p.Arg981Ter)

Genes: CDKL5 (cyclin dependent kinase like 5; plus strand), RS1 (retinoschisin 1; minus strand). Cytogenetic location: Xp22.13.
Variant type: single nucleotide variant.
Coding change: c.2941C>T on transcript NM_003159.3; coding-DNA position 2941, C replaced by T.
Protein change: p.Arg981Ter; replaces arginine 981 with a stop codon.
Molecular consequence: nonsense. On other transcripts: intron variant (1).
Genome position (GRCh38, 1-based): chrX:18,650,553, C>T. VCF-style: chrX-18650553-C-T. GRCh37 (hg19) VCF-style: chrX-18668673-C-T.
Other names: c.2941C>T, p.Arg981Ter (NM_001037343.2); c.185-3221G>A (NM_000330.4); short protein forms R981*.
Identifiers: ClinVar variation 930627 (VCV000930627.18), dbSNP rs374054249, ClinGen allele CA412373781.